The following is an entry in ClinVar:

ClinVar aggregate classification (germline): Uncertain significance (1 of 4 stars; one submission).

gnomAD v4.1: 3 of 1,612,770 alleles (0.00019%); highest among the groups gnomAD compares: African/African-American, 0.004%; no homozygotes.

Submission:

Women's Health and Genetics/Laboratory Corporation of America, LabCorp
Classification: Uncertain significance. Last evaluated: 2024-05-03. Review status: criteria provided, single submitter. Criteria: LabCorp Variant Classification Summary - May 2015. Collection method: clinical testing. Allele origin: germline.
Comment: Variant summary: CHST6 c.213G>T (p.Glu71Asp) results in a conservative amino acid change located in the Sulfotransferase domain (IPR000863) of the encoded protein sequence. Four of five in-silico tools predict a damaging effect of the variant on protein function. The variant allele was found at a frequency of 4e-06 in 248768 control chromosomes. The available data on variant occurrences in the general population are insufficient to allow any conclusion about variant significance. c.213G>T (p.Glu71Asp) has been reported in cis with c.214C>T (p.Pro72Ser) in the literature in an individual affected with Macular Corneal Dystrophy (El-Ashry_2002). This report does not provide unequivocal conclusions about association of the variant in isolation with Macular Corneal Dystrophy. To our knowledge, no experimental evidence demonstrating an impact on protein function has been reported. No submitters have cited clinical-significance assessments for this variant to ClinVar. Based on the evidence outlined above, the variant was classified as uncertain significance.

Literature cited by the submitters: PubMed 11818380.

NM_021615.5(CHST6):c.213G>T (p.Glu71Asp)

Gene: CHST6 (carbohydrate sulfotransferase 6; minus strand). Cytogenetic location: 16q23.1.
Variant type: single nucleotide variant.
Coding change: c.213G>T on transcript NM_021615.5 (MANE Select); coding-DNA position 213, G replaced by T.
Protein change: p.Glu71Asp; replaces glutamic acid 71 with aspartic acid.
Molecular consequence: missense variant.
Genome position (GRCh38, 1-based): chr16:75,479,616, C>A on the plus strand (G>T on the coding strand, the complement: CHST6 is on the minus strand). VCF-style: chr16-75479616-C-A. GRCh37 (hg19) VCF-style: chr16-75513514-C-A.
Other names: short protein forms E71D.
Identifiers: ClinVar variation 3336190 (VCV003336190.1).
Genomic context (GRCh38, chr16:75,479,616, plus strand): 5'-AGCCATGTGCAGCGTTGCGGCGCTGCCCTGCGACAGGGTGGTCCACACGTGCCACGCGGG[C>A]TCCATTAGGTAGAAGACGTCGGGGTGCTGGTTGAAGAGTTGGCCCACGAAGGACGAGCCC-3'
Protein context (NP_067628.1, residues 61-81): NQHPDVFYLM[Glu71Asp]PAWHVWTTLS